The following is an entry in ClinVar:

NM_032737.4(LMNB2):c.35A>C (p.Gln12Pro)

Genes: LMNB2 (lamin B2; minus strand), LOC130063066 (ATAC-STARR-seq lymphoblastoid silent region 9792; plus strand). Cytogenetic location: 19p13.3.
Variant type: single nucleotide variant.
Coding change: c.35A>C on transcript NM_032737.4 (MANE Select); coding-DNA position 35, A replaced by C.
Protein change: p.Gln12Pro; replaces glutamine 12 with proline.
Molecular consequence: missense variant.
Genome position (GRCh38, 1-based): chr19:2,456,899, T>G on the plus strand (A>C on the coding strand, the complement: LMNB2 is on the minus strand). VCF-style: chr19-2456899-T-G. GRCh37 (hg19) VCF-style: chr19-2456897-T-G.
Other names: short protein forms Q12P.
Identifiers: ClinVar variation 963214 (VCV000963214.10), dbSNP rs1972098113, ClinGen allele CA403260188.

ClinVar aggregate classification (germline): Uncertain significance (1 of 4 stars; one submission).

Conditions:
Lipodystrophy, partial, acquired, susceptibility to (APLD). Also called: APLD, SUSCEPTIBILITY TO. Identifiers: MedGen C3887501, MONDO:0100476, OMIM 608709.
Progressive myoclonic epilepsy type 9. Identifiers: Orphanet 457265, MedGen C4225289, MONDO:0014685, OMIM 616540.

Submission:

Labcorp Genetics (formerly Invitae), Labcorp
Classification: Uncertain significance for Progressive myoclonic epilepsy type 9; Lipodystrophy, partial, acquired, susceptibility to. Last evaluated: 2019-07-11. Review status: criteria provided, single submitter. Criteria: Invitae Variant Classification Sherloc (09022015). Collection method: clinical testing. Allele origin: germline.
Comment: Algorithms developed to predict the effect of missense changes on protein structure and function output the following: SIFT: "Not Available"; PolyPhen-2: "Not Available"; Align-GVGD: "Class C0". The proline amino acid residue is found in multiple mammalian species, suggesting that this missense change does not adversely affect protein function. These predictions have not been confirmed by published functional studies and their clinical significance is uncertain. This variant has not been reported in the literature in individuals with LMNB2-related conditions. The frequency data for this variant in the population databases is considered unreliable, as metrics indicate insufficient coverage at this position in the ExAC database. This sequence change replaces glutamine with proline at codon 12 of the LMNB2 protein (p.Gln12Pro). The glutamine residue is weakly conserved and there is a moderate physicochemical difference between glutamine and proline. In summary, the available evidence is currently insufficient to determine the role of this variant in disease. Therefore, it has been classified as a Variant of Uncertain Significance.